The following is an entry in ClinVar:

NM_000188.3(HK1):c.2375+3G>A

Gene: HK1 (hexokinase 1; plus strand). Cytogenetic location: 10q22.1.
Variant type: single nucleotide variant.
Coding change: c.2375+3G>A on transcript NM_000188.3 (MANE Select); 3 bases into the intron after coding-DNA position 2375, G replaced by A.
Molecular consequence: intron variant.
Genome position (GRCh38, 1-based): chr10:69,395,108, G>A. VCF-style: chr10-69395108-G-A. GRCh37 (hg19) VCF-style: chr10-71154864-G-A.
Other names: c.2339+3G>A (NM_033500.2); c.2480+3G>A (NM_001322365.2); c.2387+3G>A (NM_033498.3, NM_033497.3, NM_001322364.2 and 1 more transcripts); c.2372+3G>A (NM_033496.3); c.2291+3G>A (NM_001322366.1); c.2279+3G>A (NM_001322367.1).
Identifiers: ClinVar variation 969131 (VCV000969131.7), dbSNP rs1840076819, ClinGen allele CA1139661466.

ClinVar aggregate classification (germline): Uncertain significance (1 of 4 stars; one submission).

Allele frequency attached by ClinVar (database versions not stated): gnomAD exomes below 0.00001.
gnomAD v4.1: 1 of 1,613,474 alleles (0.000062%); highest among the groups gnomAD compares: South Asian, 0.0011%; no homozygotes.

Submission:

Labcorp Genetics (formerly Invitae), Labcorp
Classification: Uncertain significance. Last evaluated: 2019-10-29. Review status: criteria provided, single submitter. Criteria: Invitae Variant Classification Sherloc (09022015). Collection method: clinical testing. Allele origin: germline.
Comment: In summary, the available evidence is currently insufficient to determine the role of this variant in disease. Therefore, it has been classified as a Variant of Uncertain Significance. Nucleotide substitutions within the consensus splice site are a relatively common cause of aberrant splicing (PMID: 17576681, 9536098). Algorithms developed to predict the effect of sequence changes on RNA splicing suggest that this variant is not likely to affect RNA splicing, but this prediction has not been confirmed by published transcriptional studies. This variant has not been reported in the literature in individuals with HK1-related conditions. This variant is not present in population databases (ExAC no frequency). This sequence change falls in intron 16 of the HK1 gene. It does not directly change the encoded amino acid sequence of the HK1 protein, but it affects a nucleotide within the consensus splice site of the intron.

Literature cited by the submitters: PubMed 17576681; PubMed 9536098.